The following is an entry in ClinVar:

ClinVar aggregate classification (germline): Pathogenic (1 of 4 stars; one submission).

Conditions:
Porokeratosis 3, disseminated superficial actinic type (POROK3). Also called: POROKERATOSIS 3, MULTIPLE TYPES; POROKERATOSIS 3, MIBELLI TYPE; POROKERATOSIS, DISSEMINATED SUPERFICIAL ACTINIC, 1. Identifiers: MedGen C1867981, MONDO:0008293, OMIM 175900.
Mevalonic aciduria (MEVA). Identifiers: Orphanet 29, MedGen C1959626, MONDO:0012481, OMIM 610377.
Hyperimmunoglobulin D with periodic fever (HIDS). Also called: Hyperimmunoglobulinemia D with periodic fever; HYPERIMMUNOGLOBULINEMIA D AND PERIODIC FEVER SYNDROME; Hyperimmunoglobulinemia D. Identifiers: Orphanet 343, MedGen C0398691, MONDO:0009849, OMIM 260920.

Submission:

Labcorp Genetics (formerly Invitae), Labcorp
Classification: Pathogenic for Mevalonic aciduria; Hyperimmunoglobulin D with periodic fever; Porokeratosis 3, disseminated superficial actinic type. Last evaluated: 2020-01-30. Review status: criteria provided, single submitter. Criteria: Invitae Variant Classification Sherloc (09022015). Collection method: clinical testing. Allele origin: germline.
Comment: This variant is a gross deletion of the genomic region encompassing exons 10-11 of the MVK gene. The 5' boundary is likely confined to intron 9. The 3' end of this event is unknown as it extends through the termination codon beyond the assayed region for this gene and may encompass additional genes. While this deletion is not anticipated to result in nonsense mediated decay, it is expected to create a truncated protein product or disrupt mRNA translation. This variant has not been reported in the literature in individuals with MVK-related conditions. This variant disrupts the C-terminus of the MVK protein. Other variant(s) that disrupt this region (p.Arg388*) have been determined to be pathogenic (PMID: 23146290, 27012807, 23998246). This suggests that variants that disrupt this region of the protein are likely to be causative of disease. For these reasons, this variant has been classified as Pathogenic.

Literature cited by the submitters: PubMed 23146290; PubMed 27012807; PubMed 23998246.

NC_000012.11:g.(?_110032813)_(110034402_?)del

Gene: MVK (mevalonate kinase; plus strand). Cytogenetic location: 12q24.11.
Variant type: Deletion.
Identifiers: ClinVar variation 1075609 (VCV001075609.1).